The following is an entry in ClinVar:

ClinVar aggregate classification (germline): Uncertain significance. Review status: criteria provided, multiple submitters, no conflicts (2 of 4 stars). 4 submissions from 4 submitters: Uncertain significance (4). Last evaluated 2025-04-23.

Conditions:
Generalized epilepsy-paroxysmal dyskinesia syndrome (PNKD3). Also called: Generalized epilepsy and paroxysmal dyskinesia; Paroxysmal nonkinesigenic dyskinesia, 3, with or without generalized epilepsy. Identifiers: Orphanet 79137, MedGen C5574945, MONDO:0012276, OMIM 609446.

Submissions (4):

Labcorp Genetics (formerly Invitae), Labcorp
Classification: Uncertain significance for Generalized epilepsy-paroxysmal dyskinesia syndrome. Last evaluated: 2025-04-23. Review status: criteria provided, single submitter. Criteria: Invitae Variant Classification Sherloc (09022015). Collection method: clinical testing. Allele origin: germline.
Comment: This variant, c.30_56del, results in the deletion of 9 amino acid(s) of the KCNMA1 protein (p.Ser11_Gly19del), but otherwise preserves the integrity of the reading frame. The frequency data for this variant in the population databases is considered unreliable, as metrics indicate poor data quality at this position in the gnomAD database. This variant has not been reported in the literature in individuals affected with KCNMA1-related conditions. ClinVar contains an entry for this variant (Variation ID: 655940). Experimental studies and prediction algorithms are not available or were not evaluated, and the functional significance of this variant is currently unknown. In summary, the available evidence is currently insufficient to determine the role of this variant in disease. Therefore, it has been classified as a Variant of Uncertain Significance.

Revvity Omics, Revvity
Classification: Uncertain significance. Last evaluated: 2023-11-17. Review status: criteria provided, single submitter. Criteria: ACMG Guidelines, 2015. Collection method: clinical testing. Allele origin: germline.

GeneDx
Classification: Uncertain significance. Last evaluated: 2023-08-28. Review status: criteria provided, single submitter. Criteria: GeneDx Variant Classification Process June 2021. Collection method: clinical testing. Allele origin: germline. Affected: yes.
Comment: In-frame deletion of 9 amino acids in a poly-G repetitive region; In silico analysis supports that this variant does not alter protein structure/function; Has not been previously published as pathogenic or benign to our knowledge

Athena Diagnostics
Classification: Uncertain significance. Last evaluated: 2023-05-23. Review status: criteria provided, single submitter. Criteria: Athena Diagnostics Criteria. Collection method: clinical testing. Allele origin: unknown.
Comment: Available data are insufficient to determine the clinical significance of the variant at this time. The frequency of this variant in the general population is uninformative in assessment of its pathogenicity. Computational tools yielded predictions that this variant is unlikely to have an effect on normal RNA splicing.

NM_001161352.2(KCNMA1):c.30_56del (p.Ser11_Gly19del)

Gene: KCNMA1 (potassium calcium-activated channel subfamily M alpha 1; minus strand). Cytogenetic location: 10q22.3.
Variant type: Deletion.
Coding change: c.30_56del on transcript NM_001161352.2 (MANE Select); coding-DNA positions 30 to 56, 27 bases deleted (CAGCAGCGGCGGCGGCGGCGGCGGCGG).
Protein change: p.Ser11_Gly19del.
Molecular consequence: inframe deletion.
Genome position (GRCh38, 1-based): chr10:77,637,587-77,637,613, CCGCCGCCGCCGCCGCCGCCGCTGCTG deleted on the plus strand (CAGCAGCGGCGGCGGCGGCGGCGGCGG on the coding strand, the reverse complement: KCNMA1 is on the minus strand); deleting any 27 consecutive bases within chr10:77,637,587-77,637,630 gives the same sequence; the c. name uses the placement nearest the transcript's 3' end. VCF-style (leftmost placement, unchanged base first): chr10-77637586-TCCGCCGCCGCCGCCGCCGCCGCTGCTG-T. GRCh37 (hg19) VCF-style: chr10-79397344-TCCGCCGCCGCCGCCGCCGCCGCTGCTG-T.
Other names: c.30_56del (NM_002247.3); c.30_56del, p.Ser11_Gly19del (NM_001014797.3, NM_001161353.2, NM_001271518.2 and 12 more transcripts).
Identifiers: ClinVar variation 655940 (VCV000655940.18), dbSNP rs1163075445, ClinGen allele CA594712750.